The following is an entry in ClinVar:

ClinVar aggregate classification (germline): Uncertain significance (1 of 4 stars; one submission).

Conditions:
Pityriasis rubra pilaris (PRP). Also called: Pityriasis rubra pilaris--familial type. Identifiers: Orphanet 2897, MedGen C0032027, MONDO:0100017, OMIM 173200, MONDO:0008251.
Psoriasis 2. Identifiers: MedGen C1864497, MONDO:0011269, OMIM 602723.

Submission:

Labcorp Genetics (formerly Invitae), Labcorp
Classification: Uncertain significance for Pityriasis rubra pilaris; Psoriasis susceptibility 2. Last evaluated: 2019-10-02. Review status: criteria provided, single submitter. Criteria: Invitae Variant Classification Sherloc (09022015). Collection method: clinical testing. Allele origin: germline.
Comment: This sequence change replaces leucine with proline at codon 52 of the CARD14 protein (p.Leu52Pro). The leucine residue is highly conserved and there is a moderate physicochemical difference between leucine and proline. This variant is not present in population databases (ExAC no frequency). This variant has not been reported in the literature in individuals with CARD14-related conditions. Algorithms developed to predict the effect of missense changes on protein structure and function (SIFT, PolyPhen-2, Align-GVGD) all suggest that this variant is likely to be disruptive, but these predictions have not been confirmed by published functional studies and their clinical significance is uncertain. In summary, the available evidence is currently insufficient to determine the role of this variant in disease. Therefore, it has been classified as a Variant of Uncertain Significance.

NM_001366385.1(CARD14):c.155T>C (p.Leu52Pro)

Gene: CARD14 (caspase recruitment domain family member 14; plus strand). Cytogenetic location: 17q25.3.
Variant type: single nucleotide variant.
Coding change: c.155T>C on transcript NM_001366385.1 (MANE Select); coding-DNA position 155, T replaced by C.
Protein change: p.Leu52Pro; replaces leucine 52 with proline.
Molecular consequence: missense variant. On other transcripts: non-coding transcript variant (1).
Genome position (GRCh38, 1-based): chr17:80,181,593, T>C. VCF-style: chr17-80181593-T-C. GRCh37 (hg19) VCF-style: chr17-78155392-T-C.
Other names: c.155T>C, p.Leu52Pro (NM_001257970.1, NM_024110.4); short protein forms L52P.
Identifiers: ClinVar variation 965492 (VCV000965492.1), dbSNP rs2040177420, ClinGen allele CA401353236.
Genomic context (GRCh38, chr17:80,181,593, plus strand): 5'-GCTGCATCTGCCCCAGCCGCCTCACCCCCTACCTGCGCCAGGCCAAGGTGCTGTGCCAGC[T>C]GGACGAGGAGGAGGTGCTGCACAGCCCCCGGCTCACCAACAGCGCCATGCGGGCCGGTGA-3'
Protein context (NP_001353314.1, residues 42-62): YLRQAKVLCQ[Leu52Pro]DEEEVLHSPR